The following is an entry in ClinVar:

NM_003072.5(SMARCA4):c.1313C>G (p.Ala438Gly)

Gene: SMARCA4 (SWI/SNF related BAF chromatin remodeling complex subunit ATPase 4; plus strand). Cytogenetic location: 19p13.2.
Variant type: single nucleotide variant.
Coding change: c.1313C>G on transcript NM_003072.5 (MANE Select); coding-DNA position 1313, C replaced by G.
Protein change: p.Ala438Gly; replaces alanine 438 with glycine.
Molecular consequence: missense variant. On other transcripts: non-coding transcript variant (1).
Genome position (GRCh38, 1-based): chr19:10,991,217, C>G. VCF-style: chr19-10991217-C-G. GRCh37 (hg19) VCF-style: chr19-11101893-C-G.
Other names: c.1313C>G, p.Ala438Gly (NM_001128844.3, NM_001128845.2, NM_001128846.2 and 6 more transcripts); short protein forms A438G.
Identifiers: ClinVar variation 3320743 (VCV003320743.1).

ClinVar aggregate classification (germline): Uncertain significance (1 of 4 stars; one submission).

Conditions:
Hereditary cancer-predisposing syndrome. Also called: Neoplastic Syndromes, Hereditary; Tumor predisposition; Hereditary neoplastic syndrome; Hereditary Cancer Syndrome. Identifiers: Orphanet 140162, MedGen C0027672, MeSH D009386, MONDO:0015356.

gnomAD v4.1: 2 of 1,613,938 alleles (0.00012%); highest among the groups gnomAD compares: Non-Finnish European, 0.00017%; no homozygotes.

Submission:

Ambry Genetics
Classification: Uncertain significance for Hereditary cancer-predisposing syndrome. Last evaluated: 2024-05-15. Review status: criteria provided, single submitter. Criteria: Ambry Variant Classification Scheme 2023. Collection method: clinical testing. Allele origin: germline.
Comment: The p.A438G variant (also known as c.1313C>G), located in coding exon 7 of the SMARCA4 gene, results from a C to G substitution at nucleotide position 1313. The alanine at codon 438 is replaced by glycine, an amino acid with similar properties. This amino acid position is conserved. In addition, this alteration is predicted to be tolerated by in silico analysis. Based on the available evidence, the clinical significance of this variant remains unclear.